The following is an entry in ClinVar:

NM_000540.3(RYR1):c.1720C>T (p.Leu574=)

Gene: RYR1 (ryanodine receptor 1; plus strand). Cytogenetic location: 19q13.2.
Variant type: single nucleotide variant.
Coding change: c.1720C>T on transcript NM_000540.3 (MANE Select); coding-DNA position 1720, C replaced by T.
Protein change: p.Leu574=; no amino-acid change (leucine 574 retained).
Molecular consequence: synonymous variant.
Genome position (GRCh38, 1-based): chr19:38,455,680, C>T. VCF-style: chr19-38455680-C-T. GRCh37 (hg19) VCF-style: chr19-38946320-C-T.
Other names: c.1720C>T, p.Leu574= (NM_001042723.2).
Identifiers: ClinVar variation 3074924 (VCV003074924.1), dbSNP rs1307522343, ClinGen allele CA507243044.

ClinVar aggregate classification (germline): Likely benign (1 of 4 stars; one submission).

Conditions:
Malignant hyperthermia, susceptibility to, 1 (MHS1). Also called: Anesthesia related hyperthermia; Malignant hyperpyrexia; Fulminating hyperpyrexia; Pharmacogenic myopathy; RYR1-Related Malignant Hyperthermia Susceptibility; Malignant hyperthermia suceptibility 1. Identifiers: Orphanet 423, MedGen C2930980, MONDO:0007783, OMIM 145600.

Allele frequency attached by ClinVar (database versions not stated): gnomAD exomes below 0.00001; TOPMed below 0.00001; gnomAD 0.00001.
gnomAD v4.1: 3 of 1,613,900 alleles (0.00019%); highest among the groups gnomAD compares: Non-Finnish European, 0.00025%; no homozygotes.

Submission:

All of Us Research Program, National Institutes of Health
Classification: Likely benign for Malignant hyperthermia, susceptibility to, 1. Last evaluated: 2023-12-13. Review status: criteria provided, single submitter. Criteria: ACMG Guidelines, 2015. Collection method: clinical testing. Allele origin: germline. Inheritance: Autosomal dominant inheritance. Observed: 1 variant allele, 1 heterozygote.
Comment: This study involves interpretation of variants in research participants for the purpose of population health screening. Participant phenotype was not available at the time of variant classification. Additional details can be found in publication PMID: 35346344, PMCID: PMC8962531